The following is an entry in ClinVar:

ClinVar aggregate classification (germline): Uncertain significance (1 of 4 stars; one submission).

Conditions:
Dilated cardiomyopathy 1AA (CMD1AA). Also called: CARDIOMYOPATHY, DILATED, 1AA, WITH OR WITHOUT LEFT VENTRICULAR NONCOMPACTION; CARDIOMYOPATHY, FAMILIAL HYPERTROPHIC, 23, WITH OR WITHOUT LEFT VENTRICULAR NONCOMPACTION; Cardiomyopathy, dilated, 1AA, with or without LVNC. Identifiers: Orphanet 154, MedGen C2677338, MONDO:0012808, OMIM 612158.
Primary familial hypertrophic cardiomyopathy (HCM). Identifiers: Orphanet 99739, MedGen C0949658, MeSH D024741, MONDO:0024573. Inheritance: Various modes of inheritance.

Allele frequency attached by ClinVar (database versions not stated): ExAC 0.00001.
gnomAD v4.1: 2 of 1,613,856 alleles (0.00012%); highest among the groups gnomAD compares: Non-Finnish European, 0.00017%; no homozygotes.

Submission:

Labcorp Genetics (formerly Invitae), Labcorp
Classification: Uncertain significance for Primary familial hypertrophic cardiomyopathy; Dilated cardiomyopathy 1AA. Last evaluated: 2021-02-23. Review status: criteria provided, single submitter. Criteria: Invitae Variant Classification Sherloc (09022015). Collection method: clinical testing. Allele origin: germline.
Comment: This sequence change falls in intron 14 of the ACTN2 gene. It does not directly change the encoded amino acid sequence of the ACTN2 protein. In summary, the available evidence is currently insufficient to determine the role of this variant in disease. Therefore, it has been classified as a Variant of Uncertain Significance. Algorithms developed to predict the effect of sequence changes on RNA splicing suggest that this variant may disrupt the consensus splice site, but this prediction has not been confirmed by published transcriptional studies. This variant has not been reported in the literature in individuals with ACTN2-related conditions. This variant is present in population databases (rs753249728, ExAC 0.002%).

NM_001103.4(ACTN2):c.1657-8G>A

Gene: ACTN2 (actinin alpha 2; plus strand). Cytogenetic location: 1q43.
Variant type: single nucleotide variant.
Coding change: c.1657-8G>A on transcript NM_001103.4 (MANE Select); 8 bases into the intron before coding-DNA position 1657, G replaced by A.
Molecular consequence: intron variant.
Genome position (GRCh38, 1-based): chr1:236,751,462, G>A. VCF-style: chr1-236751462-G-A. GRCh37 (hg19) VCF-style: chr1-236914762-G-A.
Other names: c.1033-8G>A (NM_001278344.2); c.1657-8G>A (NM_001278343.2).
Identifiers: ClinVar variation 1372906 (VCV001372906.8), dbSNP rs753249728, ClinGen allele CA1473221.